The following is an entry in ClinVar:

ClinVar aggregate classification (germline): Likely pathogenic (1 of 4 stars; one submission).

Conditions:
Supravalvar aortic stenosis (SVAS). Also called: Supravalvar aortic stenosis, Eisenberg type. Identifiers: Orphanet 3193, MedGen C0003499, MONDO:0008504, OMIM 185500, HP:0004381.

Allele frequency attached by ClinVar (database versions not stated): gnomAD exomes below 0.00001; ExAC 0.00001.
gnomAD v4.1: 1 of 1,614,226 alleles (0.000062%); highest among the groups gnomAD compares: Admixed American, 0.0017%; no homozygotes.

Submission:

Labcorp Genetics (formerly Invitae), Labcorp
Classification: Likely pathogenic for Supravalvar aortic stenosis. Last evaluated: 2022-08-16. Review status: criteria provided, single submitter. Criteria: Invitae Variant Classification Sherloc (09022015). Collection method: clinical testing. Allele origin: germline.
Comment: ClinVar contains an entry for this variant (Variation ID: 836610). Algorithms developed to predict the effect of sequence changes on RNA splicing suggest that this variant may disrupt the consensus splice site. In summary, the currently available evidence indicates that the variant is pathogenic, but additional data are needed to prove that conclusively. Therefore, this variant has been classified as Likely Pathogenic. This variant has not been reported in the literature in individuals affected with ELN-related conditions. This sequence change affects an acceptor splice site in intron 10 of the ELN gene. It is expected to disrupt RNA splicing. Variants that disrupt the donor or acceptor splice site typically lead to a loss of protein function (PMID: 16199547), and loss-of-function variants in ELN are known to be pathogenic (PMID: 11175284). This variant is present in population databases (rs782528759, gnomAD 0.003%).

Literature cited by the submitters: PubMed 16199547; PubMed 11175284.

NM_000501.4(ELN):c.542-2A>T

Gene: ELN (elastin; plus strand). Cytogenetic location: 7q11.23.
Variant type: single nucleotide variant.
Coding change: c.542-2A>T on transcript NM_000501.4 (MANE Select); the canonical splice acceptor site of the intron before coding-DNA position 542, A replaced by T.
Molecular consequence: splice acceptor variant. On other transcripts: intron variant (2).
Genome position (GRCh38, 1-based): chr7:74,046,186, A>T. VCF-style: chr7-74046186-A-T. GRCh37 (hg19) VCF-style: chr7-73460516-A-T.
Other names: c.557-2A>T (NM_001081754.3, NM_001081753.3); c.542-2A>T (NM_001278939.2, NM_001278915.2, NM_001278912.2 and 2 more transcripts); c.506-510A>T (NM_001278913.2); c.527-2A>T (NM_001278914.2); c.512-2A>T (NM_001278917.2, NM_001081752.3); c.440-510A>T (NM_001278918.2).
Identifiers: ClinVar variation 836610 (VCV000836610.10), dbSNP rs782528759, ClinGen allele CA4292547.